The following is an entry in ClinVar:

NM_001041.4(SI):c.5266A>G (p.Ile1756Val)

Gene: SI (sucrase-isomaltase; minus strand). Cytogenetic location: 3q26.1.
Variant type: single nucleotide variant.
Coding change: c.5266A>G on transcript NM_001041.4 (MANE Select); coding-DNA position 5266, A replaced by G.
Protein change: p.Ile1756Val; replaces isoleucine 1756 with valine.
Molecular consequence: missense variant.
Genome position (GRCh38, 1-based): chr3:164,982,392, T>C on the plus strand (A>G on the coding strand, the complement: SI is on the minus strand). VCF-style: chr3-164982392-T-C. GRCh37 (hg19) VCF-style: chr3-164700180-T-C.
Other names: c.5266A>G (NM_001041.3); short protein forms I1756V.
Identifiers: ClinVar variation 1351358 (VCV001351358.8), dbSNP rs535971512, ClinGen allele CA2689564.

ClinVar aggregate classification (germline): Conflicting classifications of pathogenicity. Review status: criteria provided, conflicting classifications (1 of 4 stars). 3 submissions from 3 submitters: Uncertain significance (2); Likely benign (1). Last evaluated 2025-08-28.

Conditions:
Inborn genetic diseases. Identifiers: MedGen C0950123, MeSH D030342.
Sucrase-isomaltase deficiency (CSID). Also called: Deficiency of isomaltase; Congenital sucrose isomaltose malabsorption; Sucrose isomaltose enzyme deficiency; SI DEFICIENCY. Identifiers: Orphanet 35122, MedGen C1283620, MONDO:0009114, OMIM 222900.

Allele frequency attached by ClinVar (database versions not stated): TOPMed below 0.00001; gnomAD 0.00001; gnomAD exomes 0.00001 and 0.00003; ExAC 0.00003; 1000 Genomes Project 30x 0.00031; 1000 Genomes Project 0.00040.
gnomAD v4.1: 18 of 1,611,324 alleles (0.0011%); highest among the groups gnomAD compares: South Asian, 0.0022%; no homozygotes.

Submissions (3):

Ambry Genetics
Classification: Likely benign for Inborn genetic diseases. Last evaluated: 2025-08-28. Review status: criteria provided, single submitter. Criteria: Ambry Variant Classification Scheme 2023. Collection method: clinical testing. Allele origin: germline.

Labcorp Genetics (formerly Invitae), Labcorp
Classification: Uncertain significance. Last evaluated: 2024-11-05. Review status: criteria provided, single submitter. Criteria: Invitae Variant Classification Sherloc (09022015). Collection method: clinical testing. Allele origin: germline.
Comment: This sequence change replaces isoleucine, which is neutral and non-polar, with valine, which is neutral and non-polar, at codon 1756 of the SI protein (p.Ile1756Val). This variant is present in population databases (rs535971512, gnomAD 0.006%). This variant has not been reported in the literature in individuals affected with SI-related conditions. ClinVar contains an entry for this variant (Variation ID: 1351358). Invitae Evidence Modeling of protein sequence and biophysical properties (such as structural, functional, and spatial information, amino acid conservation, physicochemical variation, residue mobility, and thermodynamic stability) indicates that this missense variant is not expected to disrupt SI protein function with a negative predictive value of 95%. In summary, the available evidence is currently insufficient to determine the role of this variant in disease. Therefore, it has been classified as a Variant of Uncertain Significance.

Fulgent Genetics
Classification: Uncertain significance for Sucrase-isomaltase deficiency. Last evaluated: 2021-11-27. Review status: criteria provided, single submitter. Criteria: ACMG Guidelines, 2015. Collection method: clinical testing. Allele origin: unknown.